The following is an entry in ClinVar:

NM_001244008.2(KIF1A):c.3459C>T (p.Val1153=)

Gene: KIF1A (kinesin family member 1A; minus strand). Cytogenetic location: 2q37.3.
Variant type: single nucleotide variant.
Coding change: c.3459C>T on transcript NM_001244008.2 (MANE Select); coding-DNA position 3459, C replaced by T.
Protein change: p.Val1153=; no amino-acid change (valine 1153 retained).
Molecular consequence: synonymous variant.
Genome position (GRCh38, 1-based): chr2:240,745,433, G>A on the plus strand (C>T on the coding strand, the complement: KIF1A is on the minus strand). VCF-style: chr2-240745433-G-A. GRCh37 (hg19) VCF-style: chr2-241684850-G-A.
Other names: c.3183C>T, p.Val1061= (NM_001320705.2, NM_001330289.2, NM_001379638.1); c.3258C>T, p.Val1086= (NM_001330290.2, NM_001379634.1, NM_001379635.1 and 1 more transcripts); c.3534C>T, p.Val1178= (NM_001379631.1); c.3408C>T, p.Val1136= (NM_001379632.1); c.3432C>T, p.Val1144= (NM_001379633.1, NM_001379642.1, NM_001379645.1); c.3156C>T, p.Val1052= (NM_001379636.1, NM_001379639.1, NM_001379641.1 and 5 more transcripts); c.3231C>T, p.Val1077= (NM_001379637.1, NM_001379648.1); c.3153C>T, p.Val1051= (NM_001379640.1); and 1 more.
Identifiers: ClinVar variation 1141926 (VCV001141926.11), dbSNP rs1220625543, ClinGen allele CA432234226.

ClinVar aggregate classification (germline): Likely benign. Review status: criteria provided, multiple submitters, no conflicts (2 of 4 stars). 3 submissions from 3 submitters: Likely benign (3). Last evaluated 2024-11-14.

Conditions:
KIF1A-related disorder. Also called: KIF1A-related disorders; KIF1A-related condition.
Hereditary spastic paraplegia 30. Identifiers: Orphanet 101010, MedGen C5235139, MONDO:0012476.
Neuropathy, hereditary sensory, type 2C. Also called: Hereditary sensory and autonomic neuropathy type IIC; KIF1A-Related HSAN2 (HSAN2C). Identifiers: Orphanet 970, MedGen C3280168, MONDO:0013634, OMIM 614213.
Intellectual disability, autosomal dominant 9 (NESCAVS). Also called: KIF1A-Related Neurodevelopmental Disorder; NESCAV SYNDROME. Identifiers: Orphanet 662367, MedGen C5393830, MONDO:0013656, OMIM 614255.

Allele frequency attached by ClinVar (database versions not stated): gnomAD exomes 0.00001.
gnomAD v4.1: 11 of 1,612,534 alleles (0.00068%); highest among the groups gnomAD compares: Non-Finnish European, 0.00093%; no homozygotes.

Submissions (3):

PreventionGenetics, part of Exact Sciences
Classification: Likely benign for KIF1A-related condition. Last evaluated: 2024-11-14. Review status: criteria provided, single submitter. Criteria: ACMG Guidelines, 2015. Collection method: clinical testing. Allele origin: germline.
Comment: This variant is classified as likely benign based on ACMG/AMP sequence variant interpretation guidelines (Richards et al. 2015 PMID: 25741868, with internal and published modifications).

Labcorp Genetics (formerly Invitae), Labcorp
Classification: Likely benign for Hereditary spastic paraplegia 30; Neuropathy, hereditary sensory, type 2C; Intellectual disability, autosomal dominant 9. Last evaluated: 2024-07-15. Review status: criteria provided, single submitter. Criteria: Invitae Variant Classification Sherloc (09022015). Collection method: clinical testing. Allele origin: germline.

Blueprint Genetics
Classification: Likely benign. Last evaluated: 2023-08-07. Review status: criteria provided, single submitter. Criteria: ACMG Guidelines, 2015. Collection method: clinical testing. Allele origin: germline.